The following is an entry in ClinVar:

NM_003738.5(PTCH2):c.2177T>C (p.Phe726Ser)

Gene: PTCH2 (patched 2; minus strand). Cytogenetic location: 1p34.1.
Variant type: single nucleotide variant.
Coding change: c.2177T>C on transcript NM_003738.5 (MANE Select); coding-DNA position 2177, T replaced by C.
Protein change: p.Phe726Ser; replaces phenylalanine 726 with serine.
Molecular consequence: missense variant.
Genome position (GRCh38, 1-based): chr1:44,827,596, A>G on the plus strand (T>C on the coding strand, the complement: PTCH2 is on the minus strand). VCF-style: chr1-44827596-A-G. GRCh37 (hg19) VCF-style: chr1-45293268-A-G.
Other names: c.2177T>C, p.Phe726Ser (NM_001166292.2); short protein forms F726S.
Identifiers: ClinVar variation 2129830 (VCV002129830.4), dbSNP rs1653220568, ClinGen allele CA340096629.

ClinVar aggregate classification (germline): Uncertain significance (1 of 4 stars; one submission).

Conditions:
Gorlin syndrome. Also called: Basal cell nevus syndrome; Nevoid Basal Cell Carcinoma Syndrome. Identifiers: Orphanet 377, MedGen C0004779, MONDO:0007187.

Allele frequency attached by ClinVar (database versions not stated): TOPMed below 0.00001.

Submission:

Labcorp Genetics (formerly Invitae), Labcorp
Classification: Uncertain significance for Gorlin syndrome. Last evaluated: 2025-03-26. Review status: criteria provided, single submitter. Criteria: Invitae Variant Classification Sherloc (09022015). Collection method: clinical testing. Allele origin: germline.
Comment: This sequence change replaces phenylalanine, which is neutral and non-polar, with serine, which is neutral and polar, at codon 726 of the PTCH2 protein (p.Phe726Ser). This variant is not present in population databases (gnomAD no frequency). This variant has not been reported in the literature in individuals affected with PTCH2-related conditions. ClinVar contains an entry for this variant (Variation ID: 2129830). Invitae Evidence Modeling of protein sequence and biophysical properties (such as structural, functional, and spatial information, amino acid conservation, physicochemical variation, residue mobility, and thermodynamic stability) has been performed for this missense variant. However, the output from this modeling did not meet the statistical confidence thresholds required to predict the impact of this variant on PTCH2 protein function. In summary, the available evidence is currently insufficient to determine the role of this variant in disease. Therefore, it has been classified as a Variant of Uncertain Significance.